The following is an entry in ClinVar:

ClinVar aggregate classification (germline): Pathogenic. Review status: criteria provided, multiple submitters, no conflicts (2 of 4 stars). 3 submissions from 3 submitters: Pathogenic (3). Last evaluated 2024-07-21.

Conditions:
Familial adenomatous polyposis 4 (FAP4). Also called: MSH3-related attenuated familial adenomatous polyposis. Identifiers: Orphanet 480536, MedGen C4310719, MONDO:0044300, OMIM 617100.
Hereditary cancer-predisposing syndrome. Also called: Tumor predisposition; Hereditary neoplastic syndrome; Neoplastic Syndromes, Hereditary; Hereditary Cancer Syndrome. Identifiers: Orphanet 140162, MedGen C0027672, MeSH D009386, MONDO:0015356.

Submissions (3):

Labcorp Genetics (formerly Invitae), Labcorp
Classification: Pathogenic. Last evaluated: 2024-07-21. Review status: criteria provided, single submitter. Criteria: Invitae Variant Classification Sherloc (09022015). Collection method: clinical testing. Allele origin: germline.
Comment: This sequence change creates a premature translational stop signal (p.Cys249*) in the MSH3 gene. It is expected to result in an absent or disrupted protein product. Loss-of-function variants in MSH3 are known to be pathogenic (PMID: 27476653, 37402566). This variant is not present in population databases (gnomAD no frequency). This variant has not been reported in the literature in individuals affected with MSH3-related conditions. ClinVar contains an entry for this variant (Variation ID: 1072147). For these reasons, this variant has been classified as Pathogenic.

Myriad Genetics, Inc.
Classification: Pathogenic for Familial adenomatous polyposis 4. Last evaluated: 2023-08-29. Review status: criteria provided, single submitter. Criteria: Myriad Autosomal Dominant, Autosomal Recessive and X-Linked Classification Criteria (2023). Collection method: clinical testing. Allele origin: unknown.
Comment: This variant is considered pathogenic. This variant creates a termination codon and is predicted to result in premature protein truncation.

Ambry Genetics
Classification: Pathogenic for Hereditary cancer-predisposing syndrome. Last evaluated: 2023-03-13. Review status: criteria provided, single submitter. Criteria: Ambry Variant Classification Scheme 2023. Collection method: clinical testing. Allele origin: germline.
Comment: The p.C249* pathogenic mutation (also known as c.747T>A), located in coding exon 4 of the MSH3 gene, results from a T to A substitution at nucleotide position 747. This changes the amino acid from a cysteine to a stop codon within coding exon 4. This variant is considered to be rare based on population cohorts in the Genome Aggregation Database (gnomAD). This alteration is expected to result in loss of function by premature protein truncation or nonsense-mediated mRNA decay. As such, this alteration is interpreted as a disease-causing mutation.

Literature cited by the submitters: PubMed 27476653 (cited by Labcorp Genetics (formerly Invitae), Labcorp); PubMed 37402566 (cited by Labcorp Genetics (formerly Invitae), Labcorp).

NM_002439.5(MSH3):c.747T>A (p.Cys249Ter)

Gene: MSH3 (mutS homolog 3; plus strand). Cytogenetic location: 5q14.1.
Variant type: single nucleotide variant.
Coding change: c.747T>A on transcript NM_002439.5 (MANE Select); coding-DNA position 747, T replaced by A.
Protein change: p.Cys249Ter; replaces cysteine 249 with a stop codon.
Molecular consequence: nonsense.
Genome position (GRCh38, 1-based): chr5:80,670,264, T>A. VCF-style: chr5-80670264-T-A. GRCh37 (hg19) VCF-style: chr5-79966083-T-A.
Other names: c.747T>A (NM_002439.3); short protein forms C249*.
Identifiers: ClinVar variation 1072147 (VCV001072147.10), dbSNP rs1272356369, ClinGen allele CA360266930.
Genomic context (GRCh38, chr5:80,670,264, plus strand): 5'-TACGCCGCTAGAATTACAATACATAGAAATGAAGCAGCAGCACAAAGATGCAGTTTTGTG[T>A]GTGGAATGTGGATATAAGTATAGATTCTTTGGGGAAGATGCAGAGGTAAGTCGTCTTTTC-3'